The following is an entry in ClinVar:

ClinVar aggregate classification (germline): Uncertain significance (1 of 4 stars; one submission).

Submission:

Labcorp Genetics (formerly Invitae), Labcorp
Classification: Uncertain significance. Last evaluated: 2023-05-20. Review status: criteria provided, single submitter. Criteria: Invitae Variant Classification Sherloc (09022015). Collection method: clinical testing. Allele origin: germline.
Comment: In summary, the available evidence is currently insufficient to determine the role of this variant in disease. Therefore, it has been classified as a Variant of Uncertain Significance. Experimental studies and prediction algorithms are not available or were not evaluated, and the functional significance of this variant is currently unknown. ClinVar contains an entry for this variant (Variation ID: 2105016). This variant has been observed in individual(s) with clinical features of Stickler syndrome (Invitae). It has also been observed to segregate with disease in related individuals. This variant is not present in population databases (gnomAD no frequency). This variant, c.2111_2112insGGGTGAACGAGGTTTCCT, results in the insertion of 6 amino acid(s) of the COL2A1 protein (p.Gly708_Ser709insPheLeuGlyGluArgGly), but otherwise preserves the integrity of the reading frame.

NM_001844.5(COL2A1):c.2111_2112insGGGTGAACGAGGTTTCCT (p.Gly708_Ser709insPheLeuGlyGluArgGly)

Gene: COL2A1 (collagen type II alpha 1 chain; minus strand). Cytogenetic location: 12q13.11.
Variant type: Insertion.
Coding change: c.2111_2112insGGGTGAACGAGGTTTCCT on transcript NM_001844.5 (MANE Select); coding-DNA positions 2111 to 2112, GGGTGAACGAGGTTTCCT inserted.
Protein change: p.Gly708_Ser709insPheLeuGlyGluArgGly.
Molecular consequence: inframe insertion.
Genome position: GRCh38 VCF-style: chr12-47982929-T-TAGGAAACCTCGTTCACCC. GRCh37 (hg19) VCF-style: chr12-48376712-T-TAGGAAACCTCGTTCACCC.
Other names: c.1904_1905insGGGTGAACGAGGTTTCCT, p.Gly639_Ser640insPheLeuGlyGluArgGly (NM_033150.3).
Identifiers: ClinVar variation 2105016 (VCV002105016.4), dbSNP rs2540136152, ClinGen allele CA2580085594.
Genomic context (GRCh38, chr12:47,982,929, plus strand): 5'-AGTGCCGGGGAGGCCACGGGGACCCTGGAGGCCCTGGGCACCGGGAGAGCCACGTTCACC[T>TAGGAAACCTCGTTCACCC]GGGAAACCTCGTTCACCCTGCGGCAGAGACACCAAGAAGTGATCAACCAACAGCAGTGGG-3'